The following is an entry in ClinVar:

NM_014908.4(DOLK):c.908A>G (p.Tyr303Cys)

Gene: DOLK (dolichol kinase; minus strand). Cytogenetic location: 9q34.11.
Variant type: single nucleotide variant.
Coding change: c.908A>G on transcript NM_014908.4 (MANE Select); coding-DNA position 908, A replaced by G.
Protein change: p.Tyr303Cys; replaces tyrosine 303 with cysteine.
Molecular consequence: missense variant.
Genome position (GRCh38, 1-based): chr9:128,946,396, T>C on the plus strand (A>G on the coding strand, the complement: DOLK is on the minus strand). VCF-style: chr9-128946396-T-C. GRCh37 (hg19) VCF-style: chr9-131708675-T-C.
Other names: c.908A>G (NM_014908.3); short protein forms Y303C.
Identifiers: ClinVar variation 1009474 (VCV001009474.10), dbSNP rs780974264, ClinGen allele CA5271665.

ClinVar aggregate classification (germline): Uncertain significance. Review status: criteria provided, multiple submitters, no conflicts (2 of 4 stars). 4 submissions from 4 submitters: Uncertain significance (4). Last evaluated 2026-02-17.

Conditions:
DOLK-related disorder. Also called: DOLK-related condition.
DK1-congenital disorder of glycosylation. Also called: DK1-CDG; CDG Im; DK1 DEFICIENCY; DOLICHOL KINASE DEFICIENCY; CONGENITAL DISORDER OF GLYCOSYLATION, TYPE Im; DOLK-congenital disorder of glycosylation. Identifiers: Orphanet 91131, MedGen C1835849, MONDO:0012556, OMIM 610768.
Cardiovascular phenotype. Identifiers: MedGen CN230736.

Allele frequency attached by ClinVar (database versions not stated): ExAC 0.00001; gnomAD exomes 0.00001.
gnomAD v4.1: 16 of 1,613,822 alleles (0.00099%); highest among the groups gnomAD compares: South Asian, 0.0022%; no homozygotes.

Submissions (4):

PreventionGenetics, part of Exact Sciences
Classification: Uncertain significance for DOLK-related condition. Last evaluated: 2026-02-17. Review status: criteria provided, single submitter. Criteria: ACMG Guidelines, 2015. Collection method: clinical testing. Allele origin: germline.
Comment: The DOLK c.908A>G variant is predicted to result in the amino acid substitution p.Tyr303Cys. To our knowledge, this variant has not been reported in the literature. This variant is reported in 0.0026% of alleles in individuals of European (Non-Finnish) descent in gnomAD. At this time, the clinical significance of this variant is uncertain due to the absence of conclusive functional and genetic evidence.

Ambry Genetics
Classification: Uncertain significance for Cardiovascular phenotype. Last evaluated: 2025-11-24. Review status: criteria provided, single submitter. Criteria: Ambry Variant Classification Scheme 2023. Collection method: clinical testing. Allele origin: germline.
Comment: The p.Y303C variant (also known as c.908A>G), located in coding exon 1 of the DOLK gene, results from an A to G substitution at nucleotide position 908. The tyrosine at codon 303 is replaced by cysteine, an amino acid with highly dissimilar properties. This amino acid position is conserved. In addition, this alteration is predicted to be deleterious by in silico analysis. Based on the available evidence, the clinical significance of this variant remains unclear.

Labcorp Genetics (formerly Invitae), Labcorp
Classification: Uncertain significance for DK1-congenital disorder of glycosylation. Last evaluated: 2022-08-06. Review status: criteria provided, single submitter. Criteria: Invitae Variant Classification Sherloc (09022015). Collection method: clinical testing. Allele origin: germline.
Comment: This sequence change replaces tyrosine, which is neutral and polar, with cysteine, which is neutral and slightly polar, at codon 303 of the DOLK protein (p.Tyr303Cys). This variant is present in population databases (rs780974264, gnomAD 0.003%). This variant has not been reported in the literature in individuals affected with DOLK-related conditions. ClinVar contains an entry for this variant (Variation ID: 1009474). Algorithms developed to predict the effect of missense changes on protein structure and function (SIFT, PolyPhen-2, Align-GVGD) all suggest that this variant is likely to be disruptive. In summary, the available evidence is currently insufficient to determine the role of this variant in disease. Therefore, it has been classified as a Variant of Uncertain Significance.

Fulgent Genetics
Classification: Uncertain significance for DK1-congenital disorder of glycosylation. Last evaluated: 2022-04-11. Review status: criteria provided, single submitter. Criteria: ACMG Guidelines, 2015. Collection method: clinical testing. Allele origin: unknown.